The following is an entry in ClinVar:

ClinVar aggregate classification (germline): Benign. Review status: criteria provided, multiple submitters, no conflicts (2 of 4 stars). 2 submissions from 2 submitters: Benign (2). Last evaluated 2016-01-29.

Allele frequency attached by ClinVar (database versions not stated): gnomAD 0.02350; ESP Exome Variant Server 0.02388; gnomAD exomes 0.02557; 1000 Genomes Project 0.01617; 1000 Genomes Project 30x 0.01624; TOPMed 0.02208; ExAC 0.03293.
gnomAD v4.1: 53,630 of 1,578,448 alleles (3.4%); highest among the groups gnomAD compares: Non-Finnish European, 3.9%; 1,001 homozygotes.

Submissions (2):

GeneDx
Classification: Benign. Last evaluated: 2016-01-29. Review status: criteria provided, single submitter. Criteria: GeneDx Variant Classification (06012015). Collection method: clinical testing. Allele origin: germline. Affected: yes.
Comment: This variant is considered likely benign or benign based on one or more of the following criteria: it is a conservative change, it occurs at a poorly conserved position in the protein, it is predicted to be benign by multiple in silico algorithms, and/or has population frequency not consistent with disease.

Breakthrough Genomics
Classification: Benign. Review status: criteria provided, single submitter. Criteria: ACMG Guidelines, 2015. Collection method: not provided. Allele origin: germline. Inheritance: Autosomal dominant inheritance. Affected: yes.

NM_006267.5(RANBP2):c.-45C>T

Gene: RANBP2 (RAN binding protein 2; plus strand). Cytogenetic location: 2q13.
Variant type: single nucleotide variant.
Coding change: c.-45C>T on transcript NM_006267.5 (MANE Select); 45 bases upstream of the start codon, C replaced by T.
Molecular consequence: 5 prime UTR variant.
Genome position (GRCh38, 1-based): chr2:108,719,562, C>T. VCF-style: chr2-108719562-C-T. GRCh37 (hg19) VCF-style: chr2-109336018-C-T.
Identifiers: ClinVar variation 380075 (VCV000380075.2), dbSNP rs79379002, ClinGen allele CA1821849.